The following is an entry in ClinVar:

NM_016011.5(MECR):c.29T>G (p.Val10Gly)

Gene: MECR (mitochondrial trans-2-enoyl-CoA reductase; minus strand). Cytogenetic location: 1p35.3.
Variant type: single nucleotide variant.
Coding change: c.29T>G on transcript NM_016011.5 (MANE Select); coding-DNA position 29, T replaced by G.
Protein change: p.Val10Gly; replaces valine 10 with glycine.
Molecular consequence: missense variant. On other transcripts: 5 prime UTR variant (6), non-coding transcript variant (4).
Genome position (GRCh38, 1-based): chr1:29,230,878, A>C on the plus strand (T>G on the coding strand, the complement: MECR is on the minus strand). VCF-style: chr1-29230878-A-C. GRCh37 (hg19) VCF-style: chr1-29557390-A-C.
Other names: c.-327T>G (NM_001024732.4); c.-531T>G (NM_001349711.2); c.-532T>G (NM_001349712.2); c.-409T>G (NM_001349713.2); c.-321T>G (NM_001349714.2); c.29T>G, p.Val10Gly (NM_001349715.2, NM_001349716.2); c.-114T>G (NM_001349717.2); short protein forms V10G.
Identifiers: ClinVar variation 1523964 (VCV001523964.4), dbSNP rs200637441, ClinGen allele CA725932.

ClinVar aggregate classification (germline): Conflicting classifications of pathogenicity. Review status: criteria provided, conflicting classifications (1 of 4 stars). 2 submissions from 2 submitters: Uncertain significance (1); Likely benign (1). Last evaluated 2022-08-20.

Allele frequency attached by ClinVar (database versions not stated): 1000 Genomes Project 30x 0.00281.
gnomAD v4.1: 2,682 of 1,581,734 alleles (0.17%); highest among the groups gnomAD compares: African/African-American, 1.1%; 8 homozygotes.

Submissions (2):

Labcorp Genetics (formerly Invitae), Labcorp
Classification: Uncertain significance. Last evaluated: 2022-08-20. Review status: criteria provided, single submitter. Criteria: Invitae Variant Classification Sherloc (09022015). Collection method: clinical testing. Allele origin: germline.
Comment: This sequence change replaces valine, which is neutral and non-polar, with glycine, which is neutral and non-polar, at codon 10 of the MECR protein (p.Val10Gly). The frequency data for this variant in the population databases is considered unreliable, as metrics indicate poor data quality at this position in the gnomAD database. This variant has not been reported in the literature in individuals affected with MECR-related conditions. ClinVar contains an entry for this variant (Variation ID: 1523964). Algorithms developed to predict the effect of missense changes on protein structure and function (SIFT, PolyPhen-2, Align-GVGD) all suggest that this variant is likely to be tolerated. In summary, the available evidence is currently insufficient to determine the role of this variant in disease. Therefore, it has been classified as a Variant of Uncertain Significance.

GeneDx
Classification: Likely benign. Last evaluated: 2021-12-20. Review status: criteria provided, single submitter. Criteria: GeneDx Variant Classification Process June 2021. Collection method: clinical testing. Allele origin: germline. Affected: yes.
Comment: See Variant Classification Assertion Criteria.